The following is an entry in ClinVar:

NM_007294.4(BRCA1):c.5406+11G>C

Gene: BRCA1 (BRCA1 DNA repair associated; minus strand). Cytogenetic location: 17q21.31.
Variant type: single nucleotide variant.
Coding change: c.5406+11G>C on transcript NM_007294.4 (MANE Select); 11 bases into the intron after coding-DNA position 5406, G replaced by C.
Molecular consequence: intron variant.
Genome position (GRCh38, 1-based): chr17:43,049,110, C>G on the plus strand (G>C on the coding strand, the complement: BRCA1 is on the minus strand). VCF-style: chr17-43049110-C-G. GRCh37 (hg19) VCF-style: chr17-41201127-C-G.
Other names: c.1953+11G>C (NM_001408458.1, NM_001408461.1, NM_001408464.1 and 7 more transcripts); c.4515+11G>C (NM_001407967.1); c.5025+11G>C (NM_001407959.1); c.5139+11G>C (NM_001407931.1, NM_001407932.1, NM_001407928.1 and 4 more transcripts); c.5262+11G>C (NM_001407747.1, NM_001407745.1, NM_001407737.1 and 18 more transcripts); c.5022+11G>C (NM_001407962.1, NM_001407960.1); c.1593+11G>C (NM_001408512.1); c.1716+11G>C (NM_001408510.1); and 84 more.
Identifiers: ClinVar variation 868063 (VCV000868063.3), dbSNP rs892136580, ClinGen allele CA916080827.

Conditions:
Breast-ovarian cancer, familial, susceptibility to, 1 (BROVCA1). Also called: BRCA1 Hereditary Breast and Ovarian Cancer; OVARIAN CANCER, SUSCEPTIBILITY TO. Identifiers: Orphanet 145, MedGen C2676676, MONDO:0011450, OMIM 604370. Disease mechanism: loss of function.

Submission:

Brotman Baty Institute, University of Washington
No classification provided (evidence only). Condition: Breast-ovarian cancer, familial 1. Review status: no classification provided. Collection method: in vitro. Allele origin: not applicable. Functional consequence: functionally_normal.
ClinVar note: "not provided" was previously submitted as the classification for the variant. However, the classification appeared to be based only on an observation of functional data so it was converted to no classification on 2025-07-30.